The following is an entry in ClinVar:

NM_001040151.2(SCN3B):c.390G>T (p.Ala130=)

Gene: SCN3B (sodium voltage-gated channel beta subunit 3; minus strand). Cytogenetic location: 11q24.1.
Variant type: single nucleotide variant.
Coding change: c.390G>T on transcript NM_001040151.2 (MANE Select); coding-DNA position 390, G replaced by T.
Protein change: p.Ala130=; no amino-acid change (alanine 130 retained).
Molecular consequence: synonymous variant.
Genome position (GRCh38, 1-based): chr11:123,642,501, C>A on the plus strand (G>T on the coding strand, the complement: SCN3B is on the minus strand). VCF-style: chr11-123642501-C-A. GRCh37 (hg19) VCF-style: chr11-123513209-C-A.
Other names: c.390G>T, p.Ala130= (NM_018400.4).
Identifiers: ClinVar variation 264285 (VCV000264285.38), dbSNP rs148484744, ClinGen allele CA6334029.

ClinVar aggregate classification (germline): Benign/Likely benign. Review status: criteria provided, multiple submitters, no conflicts (2 of 4 stars). 5 submissions from 5 submitters: Benign (2); Likely benign (3). Last evaluated 2026-01-27.

Conditions:
Cardiovascular phenotype. Identifiers: MedGen CN230736.
Brugada syndrome 7 (BRGDA7). Identifiers: Orphanet 130, MedGen C2751088, MONDO:0013146, OMIM 613120.

Allele frequency attached by ClinVar (database versions not stated): TOPMed 0.00022; 1000 Genomes Project 30x 0.00062; 1000 Genomes Project 0.00080.
gnomAD v4.1: 1,123 of 1,614,168 alleles (0.07%); highest among the groups gnomAD compares: East Asian, 0.13%; 9 homozygotes.

Submissions (5):

Labcorp Genetics (formerly Invitae), Labcorp
Classification: Benign for Brugada syndrome 7. Last evaluated: 2026-01-27. Review status: criteria provided, single submitter. Criteria: Invitae Variant Classification Sherloc (09022015). Collection method: clinical testing. Allele origin: germline.

Blueprint Genetics
Classification: Likely benign. Last evaluated: 2024-11-14. Review status: criteria provided, single submitter. Criteria: ACMG Guidelines, 2015. Collection method: clinical testing. Allele origin: germline.

CeGaT Center for Human Genetics Tuebingen
Classification: Likely benign. Last evaluated: 2023-06-01. Review status: criteria provided, single submitter. Criteria: CeGaT Center For Human Genetics Tuebingen Variant Classification Criteria Version 2. Collection method: clinical testing. Allele origin: germline. Affected: yes. Observed: 1 variant allele.
Comment: SCN3B: BP4, BP7

GeneDx
Classification: Likely benign. Last evaluated: 2015-10-28. Review status: criteria provided, single submitter. Criteria: GeneDx Variant Classification (06012015). Collection method: clinical testing. Allele origin: germline. Affected: yes.
Comment: This variant is considered likely benign or benign based on one or more of the following criteria: it is a conservative change, it occurs at a poorly conserved position in the protein, it is predicted to be benign by multiple in silico algorithms, and/or has population frequency not consistent with disease.

Ambry Genetics
Classification: Benign for Cardiovascular phenotype. Last evaluated: 2015-08-26. Review status: criteria provided, single submitter. Criteria: Ambry Variant Classification Scheme 2023. Collection method: clinical testing. Allele origin: germline.